The following is an entry in ClinVar:

ClinVar aggregate classification (germline): Uncertain significance (1 of 4 stars; one submission).

Allele frequency attached by ClinVar (database versions not stated): gnomAD exomes below 0.00001; TOPMed below 0.00001.
gnomAD v4.1: 3 of 1,548,324 alleles (0.00019%); highest among the groups gnomAD compares: Middle Eastern, 0.017%; 1 homozygote.

Submission:

Labcorp Genetics (formerly Invitae), Labcorp
Classification: Uncertain significance. Last evaluated: 2022-03-31. Review status: criteria provided, single submitter. Criteria: Invitae Variant Classification Sherloc (09022015). Collection method: clinical testing. Allele origin: germline.
Comment: This sequence change replaces histidine, which is basic and polar, with tyrosine, which is neutral and polar, at codon 2963 of the ZNF469 protein (p.His2963Tyr). This variant is not present in population databases (gnomAD no frequency). This variant has not been reported in the literature in individuals affected with ZNF469-related conditions. Algorithms developed to predict the effect of missense changes on protein structure and function are either unavailable or do not agree on the potential impact of this missense change (SIFT: "Deleterious"; PolyPhen-2: "Probably Damaging"; Align-GVGD: "Class C0"). In summary, the available evidence is currently insufficient to determine the role of this variant in disease. Therefore, it has been classified as a Variant of Uncertain Significance.

NM_001367624.2(ZNF469):c.8971C>T (p.His2991Tyr)

Gene: ZNF469 (zinc finger protein 469; plus strand). Cytogenetic location: 16q24.2.
Variant type: single nucleotide variant.
Coding change: c.8971C>T on transcript NM_001367624.2 (MANE Select); coding-DNA position 8971, C replaced by T.
Protein change: p.His2991Tyr; replaces histidine 2991 with tyrosine.
Molecular consequence: missense variant.
Genome position (GRCh38, 1-based): chr16:88,436,441, C>T. VCF-style: chr16-88436441-C-T. GRCh37 (hg19) VCF-style: chr16-88502849-C-T.
Other names: short protein forms H2991Y.
Identifiers: ClinVar variation 1914764 (VCV001914764.5), dbSNP rs1906579261, ClinGen allele CA397119958.